The following is an entry in ClinVar:

NM_004415.4(DSP):c.2035_2037del (p.Ile679del)

Gene: DSP (desmoplakin; plus strand). Cytogenetic location: 6p24.3.
Variant type: Deletion.
Coding change: c.2035_2037del on transcript NM_004415.4 (MANE Select); coding-DNA positions 2035 to 2037, 3 bases deleted (ATA; older notation c.2035_2037delATA).
Protein change: p.Ile679del; deletes isoleucine 679.
Molecular consequence: inframe deletion.
Genome position (GRCh38, 1-based): chr6:7,571,973-7,571,975, ATA deleted. VCF-style (leftmost placement, unchanged base first): chr6-7571972-GATA-G. GRCh37 (hg19) VCF-style: chr6-7572205-GATA-G.
Other names: c.2035_2037del, p.Ile679del (NM_001008844.3, NM_001319034.2); short protein forms I679del.
Identifiers: ClinVar variation 3759359 (VCV003759359.2).

ClinVar aggregate classification (germline): Uncertain significance (1 of 4 stars; one submission).

Conditions:
Arrhythmogenic cardiomyopathy with wooly hair and keratoderma. Also called: PALMOPLANTAR KERATODERMA WITH LEFT VENTRICULAR CARDIOMYOPATHY AND WOOLLY HAIR; Carvajal syndrome; Dilated cardiomyopathy with woolly hair and keratoderma; Arrhythmogenic cardiomyopathy with woolly hair and keratoderma. Identifiers: Orphanet 65282, MedGen C1854063, MONDO:0011581, OMIM 605676.
Arrhythmogenic right ventricular dysplasia 8 (ARVD8). Also called: Arrhythmogenic Right Ventricular Dysplasia/Cardiomyopathy 8; ARRHYTHMOGENIC RIGHT VENTRICULAR DYSPLASIA, FAMILIAL, 8; ARRHYTHMOGENIC RIGHT VENTRICULAR CARDIOMYOPATHY 8. Identifiers: MedGen C1843896, MONDO:0011831, OMIM 607450.

Submission:

Labcorp Genetics (formerly Invitae), Labcorp
Classification: Uncertain significance for Arrhythmogenic cardiomyopathy with wooly hair and keratoderma; Arrhythmogenic right ventricular dysplasia 8. Last evaluated: 2024-10-04. Review status: criteria provided, single submitter. Criteria: Invitae Variant Classification Sherloc (09022015). Collection method: clinical testing. Allele origin: germline.
Comment: This variant, c.2035_2037del, results in the deletion of 1 amino acid(s) of the DSP protein (p.Ile679del), but otherwise preserves the integrity of the reading frame. This variant is not present in population databases (gnomAD no frequency). This variant has not been reported in the literature in individuals affected with DSP-related conditions. Experimental studies and prediction algorithms are not available or were not evaluated, and the functional significance of this variant is currently unknown. In summary, the available evidence is currently insufficient to determine the role of this variant in disease. Therefore, it has been classified as a Variant of Uncertain Significance.